The following is an entry in ClinVar:

NM_153460.4(IL17RC):c.226_228del (p.Lys76del)

Gene: IL17RC (interleukin 17 receptor C; plus strand). Cytogenetic location: 3p25.3.
Variant type: Deletion.
Coding change: c.226_228del on transcript NM_153460.4 (MANE Select); coding-DNA positions 226 to 228, 3 bases deleted (AAG; older notation c.226_228delAAG).
Protein change: p.Lys76del; deletes lysine 76.
Molecular consequence: inframe deletion. On other transcripts: non-coding transcript variant (1).
Genome position (GRCh38, 1-based): chr3:9,918,021-9,918,023, AAG deleted; deleting any 3 consecutive bases within chr3:9,918,019-9,918,023 gives the same sequence; the c. name uses the placement nearest the transcript's 3' end. VCF-style (leftmost placement, unchanged base first): chr3-9918018-CAGA-C. GRCh37 (hg19) VCF-style: chr3-9959702-CAGA-C.
Other names: c.226_228del, p.Lys76del (NM_001203263.2, NM_001203264.2, NM_001203265.2 and 5 more transcripts); c.439_441del, p.Lys147del (NM_153461.4); short protein forms K76del, K147del.
Identifiers: ClinVar variation 2776709 (VCV002776709.3), dbSNP rs2470089012, ClinGen allele CA2577502854.

ClinVar aggregate classification (germline): Uncertain significance (1 of 4 stars; one submission).

Conditions:
Candidiasis, familial, 9 (CANDF9). Identifiers: Orphanet 1334, MedGen C4225324, MONDO:0014642, OMIM 616445.

Submission:

Labcorp Genetics (formerly Invitae), Labcorp
Classification: Uncertain significance for Candidiasis, familial, 9. Last evaluated: 2023-08-16. Review status: criteria provided, single submitter. Criteria: Invitae Variant Classification Sherloc (09022015). Collection method: clinical testing. Allele origin: germline.
Comment: In summary, the available evidence is currently insufficient to determine the role of this variant in disease. Therefore, it has been classified as a Variant of Uncertain Significance. Experimental studies and prediction algorithms are not available or were not evaluated, and the functional significance of this variant is currently unknown. This variant has not been reported in the literature in individuals affected with IL17RC-related conditions. This variant is not present in population databases (gnomAD no frequency). This variant, c.439_441del, results in the deletion of 1 amino acid(s) of the IL17RC protein (p.Lys147del), but otherwise preserves the integrity of the reading frame.